The following is an entry in ClinVar:

ClinVar aggregate classification (germline): Uncertain significance. Review status: criteria provided, multiple submitters, no conflicts (2 of 4 stars). 2 submissions from 2 submitters: Uncertain significance (2). Last evaluated 2023-07-06.

Conditions:
Encephalopathy, acute, infection-induced (herpes-specific), susceptibility to, 6. Also called: Herpes simplex encephalitis, susceptibility to, 4. Identifiers: Orphanet 1930, MedGen C3553869, MONDO:0013921, OMIM 614850.

Allele frequency attached by ClinVar (database versions not stated): gnomAD exomes below 0.00001 and 0.00001; ExAC 0.00001; ESP Exome Variant Server 0.00008; TOPMed 0.00001.
gnomAD v4.1: 6 of 1,575,020 alleles (0.00038%); highest among the groups gnomAD compares: Non-Finnish European, 0.00052%; no homozygotes.

Submissions (2):

Institute for Clinical Genetics, University Hospital TU Dresden, University Hospital TU Dresden
Classification: Uncertain significance. Last evaluated: 2023-07-06. Review status: criteria provided, single submitter. Criteria: ACMG Guidelines, 2015. Collection method: clinical testing. Allele origin: germline.
Comment: PM2_SUP, BP4

Labcorp Genetics (formerly Invitae), Labcorp
Classification: Uncertain significance for Encephalopathy, acute, infection-induced (herpes-specific), susceptibility to, 6. Last evaluated: 2021-08-27. Review status: criteria provided, single submitter. Criteria: Invitae Variant Classification Sherloc (09022015). Collection method: clinical testing. Allele origin: germline.
Comment: This sequence change replaces alanine with threonine at codon 684 of the TICAM1 protein (p.Ala684Thr). The alanine residue is highly conserved and there is a small physicochemical difference between alanine and threonine. This variant is present in population databases (rs376421303, ExAC 0.002%). This variant has not been reported in the literature in individuals affected with TICAM1-related conditions. Algorithms developed to predict the effect of missense changes on protein structure and function are either unavailable or do not agree on the potential impact of this missense change (SIFT: "Deleterious"; PolyPhen-2: "Probably Damaging"; Align-GVGD: "Class C0"). In summary, the available evidence is currently insufficient to determine the role of this variant in disease. Therefore, it has been classified as a Variant of Uncertain Significance.

NM_182919.4(TICAM1):c.2050G>A (p.Ala684Thr)

Gene: TICAM1 (TIR domain containing adaptor molecule 1; minus strand). Cytogenetic location: 19p13.3.
Variant type: single nucleotide variant.
Coding change: c.2050G>A on transcript NM_182919.4 (MANE Select); coding-DNA position 2050, G replaced by A.
Protein change: p.Ala684Thr; replaces alanine 684 with threonine.
Molecular consequence: missense variant.
Genome position (GRCh38, 1-based): chr19:4,816,328, C>T on the plus strand (G>A on the coding strand, the complement: TICAM1 is on the minus strand). VCF-style: chr19-4816328-C-T. GRCh37 (hg19) VCF-style: chr19-4816340-C-T.
Other names: c.2008G>A, p.Ala670Thr (NM_001385678.1); c.1915G>A, p.Ala639Thr (NM_001385679.1); c.1408G>A, p.Ala470Thr (NM_001385680.1); short protein forms A470T, A670T, A684T, A639T.
Identifiers: ClinVar variation 1519315 (VCV001519315.6), dbSNP rs376421303, ClinGen allele CA9105002.
Genomic context (GRCh38, chr19:4,816,328, plus strand): 5'-GCGCCTGGGACCCTCTCTGGTTCCACATGTGGTTGTTCAGCCCCAGCTGTACCATCTGTG[C>T]GTGGTGGATAATGAGGGGTTGCAGCCCTGGGCTCTGAGGGGGTGCGGGTGAGGCCGTAGG-3'
Protein context (NP_891549.1, residues 674-694): PGLQPLIIHH[Ala684Thr]QMVQLGLNNH